The following is an entry in ClinVar:

NM_000288.4(PEX7):c.52dup (p.His18fs)

Gene: PEX7 (peroxisomal biogenesis factor 7; plus strand). Cytogenetic location: 6q23.3.
Variant type: Duplication.
Coding change: c.52dup on transcript NM_000288.4 (MANE Select); coding-DNA position 52, one base duplicated (C; older notation c.52dupC).
Protein change: p.His18fs; shifts the reading frame from histidine 18.
Molecular consequence: frameshift variant.
Genome position (GRCh38, 1-based): chr6:136,822,717, C duplicated; the last of 2 consecutive C bases (chr6:136,822,716-136,822,717); duplicating either gives the same sequence. VCF-style (leftmost placement, unchanged base first): chr6-136822715-G-GC. GRCh37 (hg19) VCF-style: chr6-137143853-G-GC.
Other names: short protein forms H18fs.
Identifiers: ClinVar variation 2033816 (VCV002033816.4), dbSNP rs2548068771, ClinGen allele CA2580075087.

ClinVar aggregate classification (germline): Pathogenic (1 of 4 stars; one submission).

Conditions:
Peroxisome biogenesis disorder 9B. Also called: PEX7-Related Refsum Disease; PEROXISOME BIOGENESIS DISORDER, PEX7-RELATED, ATYPICAL; Refsum disease, adult, 2. Identifiers: Orphanet 773, MedGen C2749346, MONDO:0013945, OMIM 614879.

Submission:

Labcorp Genetics (formerly Invitae), Labcorp
Classification: Pathogenic for Peroxisome biogenesis disorder 9B. Last evaluated: 2022-10-03. Review status: criteria provided, single submitter. Criteria: Invitae Variant Classification Sherloc (09022015). Collection method: clinical testing. Allele origin: germline.
Comment: For these reasons, this variant has been classified as Pathogenic. This variant has not been reported in the literature in individuals affected with PEX7-related conditions. This variant is not present in population databases (gnomAD no frequency). This sequence change creates a premature translational stop signal (p.His18Profs*38) in the PEX7 gene. It is expected to result in an absent or disrupted protein product. Loss-of-function variants in PEX7 are known to be pathogenic (PMID: 12325024, 12522768, 20301447).

Literature cited by the submitters: PubMed 12325024; PubMed 12522768; PubMed 20301447.